The following is an entry in ClinVar:

NM_172240.3(POC1B):c.523A>G (p.Asn175Asp)

Genes: POC1B (POC1 centriolar protein B; minus strand), POC1B-DUSP6 (POC1B-DUSP6 readthrough; minus strand). Cytogenetic location: 12q21.33.
Variant type: single nucleotide variant.
Coding change: c.523A>G on transcript NM_172240.3 (MANE Select); coding-DNA position 523, A replaced by G.
Protein change: p.Asn175Asp; replaces asparagine 175 with aspartic acid.
Molecular consequence: missense variant. On other transcripts: non-coding transcript variant (2).
Genome position (GRCh38, 1-based): chr12:89,472,205, T>C on the plus strand (A>G on the coding strand, the complement: POC1B is on the minus strand). VCF-style: chr12-89472205-T-C. GRCh37 (hg19) VCF-style: chr12-89865982-T-C.
Other names: c.397A>G, p.Asn133Asp (NM_001199777.2); c.523A>G (NM_172240.2); short protein forms N133D, N175D.
Identifiers: ClinVar variation 1424387 (VCV001424387.10), dbSNP rs910777225, ClinGen allele CA241202529.

ClinVar aggregate classification (germline): Uncertain significance. Review status: criteria provided, multiple submitters, no conflicts (2 of 4 stars). 3 submissions from 3 submitters: Uncertain significance (3). Last evaluated 2025-02-25.

Conditions:
Cone-rod dystrophy 20 (CORD20). Identifiers: Orphanet 1872, MedGen C4014856, MONDO:0014427, OMIM 615973.
Inborn genetic diseases. Identifiers: MedGen C0950123, MeSH D030342.

Allele frequency attached by ClinVar (database versions not stated): gnomAD 0.00001; gnomAD exomes 0.00001; TOPMed 0.00001.

Submissions (3):

Ambry Genetics
Classification: Uncertain significance for Inborn genetic diseases. Last evaluated: 2025-02-25. Review status: criteria provided, single submitter. Criteria: Ambry Variant Classification Scheme 2023. Collection method: clinical testing. Allele origin: germline.

Fulgent Genetics
Classification: Uncertain significance for Cone-rod dystrophy 20. Last evaluated: 2024-02-29. Review status: criteria provided, single submitter. Criteria: ACMG Guidelines, 2015. Collection method: clinical testing. Allele origin: germline.

Labcorp Genetics (formerly Invitae), Labcorp
Classification: Uncertain significance. Last evaluated: 2022-07-06. Review status: criteria provided, single submitter. Criteria: Invitae Variant Classification Sherloc (09022015). Collection method: clinical testing. Allele origin: germline.
Comment: This sequence change replaces asparagine, which is neutral and polar, with aspartic acid, which is acidic and polar, at codon 175 of the POC1B protein (p.Asn175Asp). This variant is not present in population databases (gnomAD no frequency). This variant has not been reported in the literature in individuals affected with POC1B-related conditions. ClinVar contains an entry for this variant (Variation ID: 1424387). Advanced modeling of protein sequence and biophysical properties (such as structural, functional, and spatial information, amino acid conservation, physicochemical variation, residue mobility, and thermodynamic stability) performed at Invitae indicates that this missense variant is not expected to disrupt POC1B protein function. Algorithms developed to predict the effect of sequence changes on RNA splicing suggest that this variant may create or strengthen a splice site. In summary, the available evidence is currently insufficient to determine the role of this variant in disease. Therefore, it has been classified as a Variant of Uncertain Significance.